The following is an entry in ClinVar:

ClinVar aggregate classification (germline): Uncertain significance. Review status: criteria provided, multiple submitters, no conflicts (2 of 4 stars). 5 submissions from 5 submitters: Uncertain significance (5). Last evaluated 2025-01-22.

Conditions:
Roberts-SC phocomelia syndrome (RBS). Also called: ESCO2 Spectrum Disorder; Pseudothalidomide syndrome; Appelt-Gerken-Lenz syndrome; LONG BONE DEFICIENCIES ASSOCIATED WITH CLEFT LIP-PALATE; Hypomelia hypotrichosis facial hemangioma syndrome. Identifiers: Orphanet 3103, MedGen C0392475, MONDO:0100253, OMIM 268300.
Juberg-Hayward syndrome (JHS). Also called: Cleft lip/palate with abnormal thumbs and microcephaly; OROCRANIODIGITAL SYNDROME. Identifiers: Orphanet 2319, MedGen C0796099, MONDO:0008992, OMIM 216100.

Allele frequency attached by ClinVar (database versions not stated): gnomAD 0.00006 and 0.00008; TOPMed 0.00006; ExAC 0.00008; gnomAD exomes 0.00010.
gnomAD v4.1: 390 of 1,614,066 alleles (0.024%); highest among the groups gnomAD compares: Middle Eastern, 0.082%; no homozygotes.

Submissions (6):

GeneDx
Classification: Uncertain significance. Last evaluated: 2025-01-22. Review status: criteria provided, single submitter. Criteria: GeneDx Variant Classification Process June 2021. Collection method: clinical testing. Allele origin: germline. Affected: yes.
Comment: In silico analysis indicates that this missense variant does not alter protein structure/function; Has not been previously published as pathogenic or benign to our knowledge

Fulgent Genetics
Classification: Uncertain significance for Juberg-Hayward syndrome; Roberts-SC phocomelia syndrome. Last evaluated: 2024-04-22. Review status: criteria provided, single submitter. Criteria: ACMG Guidelines, 2015. Collection method: clinical testing. Allele origin: germline.

Labcorp Genetics (formerly Invitae), Labcorp
Classification: Uncertain significance. Last evaluated: 2022-08-19. Review status: criteria provided, single submitter. Criteria: Invitae Variant Classification Sherloc (09022015). Collection method: clinical testing. Allele origin: germline.
Comment: This sequence change replaces isoleucine, which is neutral and non-polar, with valine, which is neutral and non-polar, at codon 102 of the ESCO2 protein (p.Ile102Val). This variant is present in population databases (rs201354290, gnomAD 0.02%). This variant has not been reported in the literature in individuals affected with ESCO2-related conditions. ClinVar contains an entry for this variant (Variation ID: 289689). Algorithms developed to predict the effect of missense changes on protein structure and function output the following: SIFT: "Tolerated"; PolyPhen-2: "Benign"; Align-GVGD: "Class C0". The valine amino acid residue is found in multiple mammalian species, which suggests that this missense change does not adversely affect protein function. Algorithms developed to predict the effect of sequence changes on RNA splicing suggest that this variant may create or strengthen a splice site. In summary, the available evidence is currently insufficient to determine the role of this variant in disease. Therefore, it has been classified as a Variant of Uncertain Significance.

Illumina Laboratory Services, Illumina
Classification: Uncertain significance for Roberts-SC phocomelia syndrome. Last evaluated: 2018-01-13. Review status: criteria provided, single submitter. Criteria: ICSL Variant Classification Criteria 13 December 2019. Collection method: clinical testing. Allele origin: germline.

Eurofins Ntd Llc (ga)
Classification: Uncertain significance. Last evaluated: 2016-09-02. Review status: criteria provided, single submitter. Criteria: EGL Classification Definitions 2015. Collection method: clinical testing. Allele origin: germline. Observed: 1 variant allele, 1 heterozygote.

Dr. Peter K. Rogan Lab, Western University
No classification provided (evidence only). Condition: Nonpapillary renal cell carcinoma. Review status: no classification provided. Collection method: in vitro. Allele origin: not applicable. Functional consequence: retained intron. Not counted in ClinVar's aggregate classification.

NM_001017420.3(ESCO2):c.304A>G (p.Ile102Val)

Gene: ESCO2 (establishment of sister chromatid cohesion N-acetyltransferase 2; plus strand). Cytogenetic location: 8p21.1.
Variant type: single nucleotide variant.
Coding change: c.304A>G on transcript NM_001017420.3 (MANE Select); coding-DNA position 304, A replaced by G.
Protein change: p.Ile102Val; replaces isoleucine 102 with valine.
Molecular consequence: missense variant.
Genome position (GRCh38, 1-based): chr8:27,776,612, A>G. VCF-style: chr8-27776612-A-G. GRCh37 (hg19) VCF-style: chr8-27634129-A-G.
Other names: short protein forms I102V.
Identifiers: ClinVar variation 289689 (VCV000289689.13), dbSNP rs201354290, ClinGen allele CA4692030.